The following is an entry in ClinVar:

ClinVar aggregate classification (germline): Uncertain significance (1 of 4 stars; one submission).

Conditions:
Fabry disease. Also called: Fabry's disease; ALPHA-GALACTOSIDASE A DEFICIENCY; ANDERSON-FABRY DISEASE; CERAMIDE TRIHEXOSIDASE DEFICIENCY; GLA DEFICIENCY; HEREDITARY DYSTOPIC LIPIDOSIS. Identifiers: Orphanet 324, MedGen C0002986, MONDO:0010526, OMIM 301500, HP:0001071. Disease mechanism: Fabry disease is due to inactivating mutations in the X-linked GLA gene resulting in deficiency of the enzyme Alpha Galactosidase-A., loss of function.

Submission:

Labcorp Genetics (formerly Invitae), Labcorp
Classification: Uncertain significance for Fabry disease. Last evaluated: 2023-11-15. Review status: criteria provided, single submitter. Criteria: Invitae Variant Classification Sherloc (09022015). Collection method: clinical testing. Allele origin: germline.
Comment: This sequence change replaces alanine, which is neutral and non-polar, with glycine, which is neutral and non-polar, at codon 309 of the GLA protein (p.Ala309Gly). This variant is not present in population databases (gnomAD no frequency). This variant has not been reported in the literature in individuals affected with GLA-related conditions. Advanced modeling of protein sequence and biophysical properties (such as structural, functional, and spatial information, amino acid conservation, physicochemical variation, residue mobility, and thermodynamic stability) performed at Invitae indicates that this missense variant is not expected to disrupt GLA protein function with a negative predictive value of 80%. In summary, the available evidence is currently insufficient to determine the role of this variant in disease. Therefore, it has been classified as a Variant of Uncertain Significance.

NM_000169.3(GLA):c.926C>G (p.Ala309Gly)

Genes: GLA (galactosidase alpha; minus strand), RPL36A-HNRNPH2 (RPL36A-HNRNPH2 readthrough; plus strand). Cytogenetic location: Xq22.1.
Variant type: single nucleotide variant.
Coding change: c.926C>G on transcript NM_000169.3 (MANE Select); coding-DNA position 926, C replaced by G.
Protein change: p.Ala309Gly; replaces alanine 309 with glycine.
Molecular consequence: missense variant. On other transcripts: non-coding transcript variant (3), intron variant (2).
Genome position (GRCh38, 1-based): chrX:101,398,443, G>C on the plus strand (C>G on the coding strand, the complement: GLA is on the minus strand). VCF-style: chrX-101398443-G-C. GRCh37 (hg19) VCF-style: chrX-100653431-G-C.
Other names: c.1049C>G, p.Ala350Gly (NM_001406747.1); c.926C>G, p.Ala309Gly (NM_001406748.1); c.300+2986G>C (NM_001199973.2); c.177+6621G>C (NM_001199974.2); short protein forms A350G, A309G.
Identifiers: ClinVar variation 2840792 (VCV002840792.3), dbSNP rs869312155, ClinGen allele CA413921984.
Genomic context (GRCh38, chrX:101,398,443, plus strand): 5'-TACCCTTGCTTGCCCAAGGGGTCCTGATTGATGGCAATTACGTCCTTATCCTGAAGGAGA[G>C]CTTTGGCTTGAGGGCTGATGTGTCGGAGGTCATTAGACATGAATAAAGGAGCAGCCATGA-3'
Protein context (NP_000160.1, residues 299-319): DLRHISPQAK[Ala309Gly]LLQDKDVIAI